The following is an entry in ClinVar:

NM_001130823.3(DNMT1):c.1096C>A (p.Pro366Thr)

Gene: DNMT1 (DNA methyltransferase 1; minus strand). Cytogenetic location: 19p13.2.
Variant type: single nucleotide variant.
Coding change: c.1096C>A on transcript NM_001130823.3 (MANE Select); coding-DNA position 1096, C replaced by A.
Protein change: p.Pro366Thr; replaces proline 366 with threonine.
Molecular consequence: missense variant.
Genome position (GRCh38, 1-based): chr19:10,159,916, G>T on the plus strand (C>A on the coding strand, the complement: DNMT1 is on the minus strand). VCF-style: chr19-10159916-G-T. GRCh37 (hg19) VCF-style: chr19-10270592-G-T.
Other names: c.1048C>A, p.Pro350Thr (NM_001318730.2, NM_001379.4); c.733C>A, p.Pro245Thr (NM_001318731.2); short protein forms P245T, P350T, P366T.
Identifiers: ClinVar variation 950871 (VCV000950871.1), dbSNP rs2038531657, ClinGen allele CA403939888.
Genomic context (GRCh38, chr19:10,159,916, plus strand): 5'-GCTGCCCATATTTGAGGTCAGGGTCGTCCAGGTACTGCCCGCACTGAATGCACTTGGGAG[G>T]GTGGGTCTGTGGGAGCAGGAACACAGATGATGGCACTCAGAGAGCAGCTCCCAGCCGCCT-3'
Protein context (NP_001124295.1, residues 356-376): AKTVMNSKTH[Pro366Thr]PKCIQCGQYL

ClinVar aggregate classification (germline): Uncertain significance (1 of 4 stars; one submission).

Conditions:
Hereditary sensory neuropathy-deafness-dementia syndrome. Also called: Hereditary sensory neuropathy type IE; HSN IE; NEUROPATHY, HEREDITARY SENSORY, WITH HEARING LOSS AND DEMENTIA; Hereditary Sensory and Autonomic Neuropathy Type 1E (HSAN1E). Identifiers: Orphanet 456318, MedGen C3279885, MONDO:0013584, OMIM 614116.

Allele frequency attached by ClinVar (database versions not stated): gnomAD exomes below 0.00001.
gnomAD v4.1: 4 of 1,614,194 alleles (0.00025%); highest among the groups gnomAD compares: Non-Finnish European, 0.00017%; no homozygotes.

Submission:

Labcorp Genetics (formerly Invitae), Labcorp
Classification: Uncertain significance for Hereditary sensory neuropathy type IE. Last evaluated: 2019-04-09. Review status: criteria provided, single submitter. Criteria: Invitae Variant Classification Sherloc (09022015). Collection method: clinical testing. Allele origin: germline.
Comment: This sequence change replaces proline with threonine at codon 366 of the DNMT1 protein (p.Pro366Thr). The proline residue is highly conserved and there is a small physicochemical difference between proline and threonine. This variant is not present in population databases (ExAC no frequency). This variant has not been reported in the literature in individuals with DNMT1-related conditions. Algorithms developed to predict the effect of missense changes on protein structure and function are either unavailable or do not agree on the potential impact of this missense change (SIFT: "Deleterious"; PolyPhen-2: "Benign"; Align-GVGD: "Class C0"). In summary, the available evidence is currently insufficient to determine the role of this variant in disease. Therefore, it has been classified as a Variant of Uncertain Significance.